The following is an entry in ClinVar:

ClinVar aggregate classification (germline): Conflicting classifications of pathogenicity. Review status: criteria provided, conflicting classifications (1 of 4 stars). 2 submissions from 2 submitters: Uncertain significance (1); Likely benign (1). Last evaluated 2026-08-31.

Conditions:
Hereditary cancer-predisposing syndrome. Also called: Hereditary Cancer Syndrome; Tumor predisposition; Neoplastic Syndromes, Hereditary; Hereditary neoplastic syndrome. Identifiers: Orphanet 140162, MedGen C0027672, MeSH D009386, MONDO:0015356.
Familial adenomatous polyposis 2. Also called: FAP type 2; MUTYH Polyposis; COLORECTAL ADENOMATOUS POLYPOSIS, AUTOSOMAL RECESSIVE; MYH-associated polyposis; MUTYH-associated polyposis; MUTYH-related attenuated familial adenomatous polyposis. Identifiers: Orphanet 220460, Orphanet 247798, MedGen C3272841, MONDO:0012041, OMIM 608456.

Submissions (2):

Ambry Genetics
Classification: Likely benign for Hereditary cancer-predisposing syndrome. Last evaluated: 2026-08-31. Review status: criteria provided, single submitter. Criteria: Ambry Variant Classification Scheme 2023. Collection method: clinical testing. Allele origin: germline.

Labcorp Genetics (formerly Invitae), Labcorp
Classification: Uncertain significance for Familial adenomatous polyposis 2. Last evaluated: 2022-09-10. Review status: criteria provided, single submitter. Criteria: Invitae Variant Classification Sherloc (09022015). Collection method: clinical testing. Allele origin: germline.
Comment: ClinVar contains an entry for this variant (Variation ID: 1479639). This variant has not been reported in the literature in individuals affected with MUTYH-related conditions. This variant is not present in population databases (gnomAD no frequency). This sequence change replaces alanine, which is neutral and non-polar, with threonine, which is neutral and polar, at codon 79 of the MUTYH protein (p.Ala79Thr). Algorithms developed to predict the effect of missense changes on protein structure and function output the following: SIFT: "Tolerated"; PolyPhen-2: "Benign"; Align-GVGD: "Class C0". The threonine amino acid residue is found in multiple mammalian species, which suggests that this missense change does not adversely affect protein function. In summary, the available evidence is currently insufficient to determine the role of this variant in disease. Therefore, it has been classified as a Variant of Uncertain Significance.

NM_001048174.2(MUTYH):c.151G>A (p.Ala51Thr)

Gene: MUTYH (mutY DNA glycosylase; minus strand). Cytogenetic location: 1p34.1.
Variant type: single nucleotide variant.
Coding change: c.151G>A on transcript NM_001048174.2 (MANE Select); coding-DNA position 151, G replaced by A.
Protein change: p.Ala51Thr; replaces alanine 51 with threonine.
Molecular consequence: missense variant. On other transcripts: non-coding transcript variant (2), intron variant (3), 5 prime UTR variant (1).
Genome position (GRCh38, 1-based): chr1:45,333,526, C>T on the plus strand (G>A on the coding strand, the complement: MUTYH is on the minus strand). VCF-style: chr1-45333526-C-T. GRCh37 (hg19) VCF-style: chr1-45799198-C-T.
Other names: c.226G>A, p.Ala76Thr (NM_012222.3); c.-92-29G>A (NM_001350651.2); c.-97-29G>A (NM_001293192.2, NM_001293196.2); c.151G>A, p.Ala51Thr (NM_001048171.2, NM_001048173.2, NM_001293195.2); c.154G>A, p.Ala52Thr (NM_001048172.2); c.235G>A, p.Ala79Thr (NM_001128425.2); c.196G>A, p.Ala66Thr (NM_001293190.2); c.184G>A, p.Ala62Thr (NM_001293191.2); and 2 more; short protein forms A51T, A52T, A76T, A62T, A66T, A79T.
Identifiers: ClinVar variation 1479639 (VCV001479639.9), dbSNP rs1645377017, ClinGen allele CA340136578.